The following is an entry in ClinVar:

ClinVar aggregate classification (germline): Likely pathogenic (1 of 4 stars; one submission).

Conditions:
Acyl-CoA oxidase deficiency. Also called: STRAIGHT-CHAIN ACYL-CoA OXIDASE DEFICIENCY; Peroxisomal acyl-CoA oxidase deficiency; Pseudoneonatal adrenoleukodystrophy. Identifiers: Orphanet 2971, MedGen C1849678, MONDO:0009919, OMIM 264470. Disease mechanism: loss of function.

Submission:

Labcorp Genetics (formerly Invitae), Labcorp
Classification: Likely pathogenic for Acyl-CoA oxidase deficiency. Last evaluated: 2020-08-24. Review status: criteria provided, single submitter. Criteria: Invitae Variant Classification Sherloc (09022015). Collection method: clinical testing. Allele origin: germline.
Comment: In summary, the currently available evidence indicates that the variant is pathogenic, but additional data are needed to prove that conclusively. Therefore, this variant has been classified as Likely Pathogenic. This variant has been observed in individual(s) with acyl-CoA oxidase deficiency (PMID: 17458872). This variant is an in-frame deletion of the genomic region encompassing exon(s) 13 of the ACOX1 gene. It preserves the integrity of the reading frame. Experimental studies and prediction algorithms are not available or were not evaluated, and the functional significance of this variant is currently unknown.

Literature cited by the submitters: PubMed 17458872.

NC_000017.10:g.(?_73944322)_(73944548_?)del

Gene: ACOX1 (acyl-CoA oxidase 1; minus strand). Cytogenetic location: 17q25.1.
Variant type: Deletion.
Identifiers: ClinVar variation 1067088 (VCV001067088.3).